The following is an entry in ClinVar:

NM_014681.6(DHX34):c.3402G>A (p.Glu1134=)

Gene: DHX34 (DExH-box helicase 34; plus strand). Cytogenetic location: 19q13.32.
Variant type: single nucleotide variant.
Coding change: c.3402G>A on transcript NM_014681.6 (MANE Select); coding-DNA position 3402, G replaced by A.
Protein change: p.Glu1134=; no amino-acid change (glutamic acid 1134 retained).
Molecular consequence: synonymous variant.
Genome position (GRCh38, 1-based): chr19:47,382,083, G>A. VCF-style: chr19-47382083-G-A. GRCh37 (hg19) VCF-style: chr19-47885340-G-A.
Identifiers: ClinVar variation 3034375 (VCV003034375.2), dbSNP rs199562453, ClinGen allele CA9538935.
Genomic context (GRCh38, chr19:47,382,083, plus strand): 5'-CCTGCAGAGGCCCTACCACTGCGAGGCCTGCGGGAAGGACTTCCTCTTTACACCCACAGA[G>A]GTGCTGCGCCACCGGAAGCAGCACGTGTGAGCTGGGCCAGGAGCCCTGCCCACCTCCGTG-3'
Protein context (NP_055496.2, residues 1124-1143): CGKDFLFTPT[Glu1134=]VLRHRKQHV

ClinVar aggregate classification (germline): Likely benign (0 of 4 stars; one submission).

Conditions:
DHX34-related disorder. Also called: DHX34-related condition.

Allele frequency attached by ClinVar (database versions not stated): ExAC 0.00002; TOPMed 0.00005; gnomAD 0.00007.
gnomAD v4.1: 219 of 1,613,928 alleles (0.014%); highest among the groups gnomAD compares: Non-Finnish European, 0.016%; no homozygotes.

Submission:

PreventionGenetics, part of Exact Sciences
Classification: Likely benign for DHX34-related condition. Last evaluated: 2020-04-14. Review status: no assertion criteria provided. Collection method: clinical testing. Allele origin: germline.
Comment: This variant is classified as likely benign based on ACMG/AMP sequence variant interpretation guidelines (Richards et al. 2015 PMID: 25741868, with internal and published modifications).